The following is an entry in ClinVar:

NM_000540.3(RYR1):c.13377C>A (p.Asp4459Glu)

Gene: RYR1 (ryanodine receptor 1; plus strand). Cytogenetic location: 19q13.2.
Variant type: single nucleotide variant.
Coding change: c.13377C>A on transcript NM_000540.3 (MANE Select); coding-DNA position 13377, C replaced by A.
Protein change: p.Asp4459Glu; replaces aspartic acid 4459 with glutamic acid.
Molecular consequence: missense variant.
Genome position (GRCh38, 1-based): chr19:38,565,711, C>A. VCF-style: chr19-38565711-C-A. GRCh37 (hg19) VCF-style: chr19-39056351-C-A.
Other names: c.13362C>A, p.Asp4454Glu (NM_001042723.2); short protein forms D4454E, D4459E.
Identifiers: ClinVar variation 2183552 (VCV002183552.9), dbSNP rs1334211840, ClinGen allele CA405675367.

ClinVar aggregate classification (germline): Uncertain significance. Review status: criteria provided, multiple submitters, no conflicts (2 of 4 stars). 4 submissions from 4 submitters: Uncertain significance (4). Last evaluated 2026-08-10.

Conditions:
RYR1-related disorder. Also called: RYR1-related condition; RYR1-related disorders. Identifiers: MedGen CN239331.
Inborn genetic diseases. Identifiers: MedGen C0950123, MeSH D030342.
Malignant hyperthermia, susceptibility to, 1 (MHS1). Also called: Anesthesia related hyperthermia; Malignant hyperpyrexia; Fulminating hyperpyrexia; Pharmacogenic myopathy; RYR1-Related Malignant Hyperthermia Susceptibility; Malignant hyperthermia suceptibility 1. Identifiers: Orphanet 423, MedGen C2930980, MONDO:0007783, OMIM 145600.

Allele frequency attached by ClinVar (database versions not stated): TOPMed 0.00002; gnomAD exomes 0.00001.
gnomAD v4.1: 6 of 1,427,346 alleles (0.00042%); highest among the groups gnomAD compares: Admixed American, 0.015%; no homozygotes.

Submissions (4):

GeneDx
Classification: Uncertain significance. Last evaluated: 2026-08-10. Review status: criteria provided, single submitter. Criteria: GeneDx Variant Classification Process June 2021. Collection method: clinical testing. Allele origin: germline.
Comment: Not observed at significant frequency in large population cohorts (gnomAD); In silico analysis suggests that this missense variant does not alter protein structure/function; Has not been previously published as pathogenic or benign to our knowledge

Ambry Genetics
Classification: Uncertain significance for Inborn genetic diseases. Last evaluated: 2025-08-24. Review status: criteria provided, single submitter. Criteria: Ambry Variant Classification Scheme 2023. Collection method: clinical testing. Allele origin: germline.

All of Us Research Program, National Institutes of Health
Classification: Uncertain significance for Malignant hyperthermia, susceptibility to, 1. Last evaluated: 2024-05-14. Review status: criteria provided, single submitter. Criteria: ACMG Guidelines, 2015. Collection method: clinical testing. Allele origin: germline. Inheritance: Autosomal dominant inheritance. Observed: 5 variant alleles, 5 heterozygotes.
Comment: This missense variant replaces aspartic acid with glutamic acid at codon 4459 of the RYR1 protein. Computational prediction suggests that this variant may not impact protein structure and function (internally defined REVEL score threshold <= 0.5, PMID: 27666373). To our knowledge, functional studies have not been reported for this variant. This variant has not been reported in individuals affected with RYR1-related disorders in the literature. This variant has not been identified in the general population by the Genome Aggregation Database (gnomAD). The available evidence is insufficient to determine the role of this variant in disease conclusively. Therefore, this variant is classified as a Variant of Uncertain Significance.

This study involves interpretation of variants in research participants for the purpose of population health screening. Participant phenotype was not available at the time of variant classification. Additional details can be found in publication PMID: 35346344, PMCID: PMC8962531

Labcorp Genetics (formerly Invitae), Labcorp
Classification: Uncertain significance for RYR1-related disorder. Last evaluated: 2024-04-25. Review status: criteria provided, single submitter. Criteria: Invitae Variant Classification Sherloc (09022015). Collection method: clinical testing. Allele origin: germline.
Comment: This sequence change replaces aspartic acid, which is acidic and polar, with glutamic acid, which is acidic and polar, at codon 4459 of the RYR1 protein (p.Asp4459Glu). The frequency data for this variant in the population databases is considered unreliable, as metrics indicate poor data quality at this position in the gnomAD database. This variant has not been reported in the literature in individuals affected with RYR1-related conditions. ClinVar contains an entry for this variant (Variation ID: 2183552). Advanced modeling of protein sequence and biophysical properties (such as structural, functional, and spatial information, amino acid conservation, physicochemical variation, residue mobility, and thermodynamic stability) performed at Invitae indicates that this missense variant is not expected to disrupt RYR1 protein function with a negative predictive value of 95%. In summary, the available evidence is currently insufficient to determine the role of this variant in disease. Therefore, it has been classified as a Variant of Uncertain Significance.